The following is an entry in ClinVar:

ClinVar aggregate classification (germline): Uncertain significance. Review status: criteria provided, multiple submitters, no conflicts (2 of 4 stars). 2 submissions from 2 submitters: Uncertain significance (2). Last evaluated 2024-01-29.

Conditions:
Inborn genetic diseases. Identifiers: MedGen C0950123, MeSH D030342.

Allele frequency attached by ClinVar (database versions not stated): ExAC 0.00001; gnomAD exomes 0.00001; gnomAD 0.00005; TOPMed 0.00007.
gnomAD v4.1: 20 of 1,612,468 alleles (0.0012%); highest among the groups gnomAD compares: African/African-American, 0.021%; no homozygotes.

Submissions (2):

Ambry Genetics
Classification: Uncertain significance for Inborn genetic diseases. Last evaluated: 2024-01-29. Review status: criteria provided, single submitter. Criteria: Ambry Variant Classification Scheme 2023. Collection method: clinical testing. Allele origin: germline.

Labcorp Genetics (formerly Invitae), Labcorp
Classification: Uncertain significance. Last evaluated: 2023-11-27. Review status: criteria provided, single submitter. Criteria: Invitae Variant Classification Sherloc (09022015). Collection method: clinical testing. Allele origin: germline.
Comment: This sequence change replaces leucine, which is neutral and non-polar, with proline, which is neutral and non-polar, at codon 96 of the PIGP protein (p.Leu96Pro). This variant is present in population databases (rs767539452, gnomAD 0.01%). This variant has not been reported in the literature in individuals affected with PIGP-related conditions. ClinVar contains an entry for this variant (Variation ID: 1988593). An algorithm developed to predict the effect of missense changes on protein structure and function (PolyPhen-2) suggests that this variant¬†is likely to be tolerated. In summary, the available evidence is currently insufficient to determine the role of this variant in disease. Therefore, it has been classified as a Variant of Uncertain Significance.

NM_153682.3(PIGP):c.215T>C (p.Leu72Pro)

Gene: PIGP (phosphatidylinositol glycan anchor biosynthesis class P; minus strand). Cytogenetic location: 21q22.13.
Variant type: single nucleotide variant.
Coding change: c.215T>C on transcript NM_153682.3 (MANE Select); coding-DNA position 215, T replaced by C.
Protein change: p.Leu72Pro; replaces leucine 72 with proline.
Molecular consequence: missense variant.
Genome position (GRCh38, 1-based): chr21:37,067,321, A>G on the plus strand (T>C on the coding strand, the complement: PIGP is on the minus strand). VCF-style: chr21-37067321-A-G. GRCh37 (hg19) VCF-style: chr21-38439621-A-G.
Other names: c.215T>C, p.Leu72Pro (NM_001320480.2); c.137T>C, p.Leu46Pro (NM_016430.4); c.287T>C, p.Leu96Pro (NM_153681.2); short protein forms L46P, L96P, L72P.
Identifiers: ClinVar variation 1988593 (VCV001988593.3), dbSNP rs767539452, ClinGen allele CA10021073.